The following is an entry in ClinVar:

NM_006269.2(RP1):c.3579C>T (p.His1193=)

Gene: RP1 (RP1 axonemal microtubule associated; plus strand). Cytogenetic location: 8q12.1.
Variant type: single nucleotide variant.
Coding change: c.3579C>T on transcript NM_006269.2 (MANE Select); coding-DNA position 3579, C replaced by T.
Protein change: p.His1193=; no amino-acid change (histidine 1193 retained).
Molecular consequence: synonymous variant.
Genome position (GRCh38, 1-based): chr8:54,627,461, C>T. VCF-style: chr8-54627461-C-T. GRCh37 (hg19) VCF-style: chr8-55540021-C-T.
Identifiers: ClinVar variation 363292 (VCV000363292.11), dbSNP rs777012140, ClinGen allele CA4751713.
Genomic context (GRCh38, chr8:54,627,461, plus strand): 5'-AGAGGAAGCTGATGACTTGAAAGCTGCTGTTGCCAATTTAGTGGAGTCAACTACAAGCCA[C>T]TTTGGACTCAGTGAGAAAGAACAAGACATGGTTCCAATAGATCTTTCTGCAAATTGTTCC-3'
Protein context (NP_006260.1, residues 1183-1203): VANLVESTTS[His1193=]FGLSEKEQDM

ClinVar aggregate classification (germline): Conflicting classifications of pathogenicity. Review status: criteria provided, conflicting classifications (1 of 4 stars). 4 submissions from 4 submitters: Uncertain significance (1); Likely benign (3). Last evaluated 2026-07-21.

Conditions:
Retinitis pigmentosa (RP). Identifiers: Orphanet 791, MedGen C0035334, MeSH D012174, MONDO:0019200, OMIM 268000. Inheritance: Autosomal dominant, autosomal recessive and X linked inheritance.
RP1-related disorder. Also called: RP1-related condition.

Allele frequency attached by ClinVar (database versions not stated): gnomAD 0.00003 and 0.00004; gnomAD exomes 0.00005 and 0.00006; TOPMed 0.00005; ExAC 0.00011.
gnomAD v4.1: 77 of 1,614,040 alleles (0.0048%); highest among the groups gnomAD compares: Non-Finnish European, 0.0059%; no homozygotes.

Submissions (4):

PreventionGenetics, part of Exact Sciences
Classification: Likely benign for RP1-related condition. Last evaluated: 2026-07-21. Review status: criteria provided, single submitter. Criteria: ACMG Guidelines, 2015. Collection method: clinical testing. Allele origin: germline.
Comment: This variant is classified as likely benign based on ACMG/AMP sequence variant interpretation guidelines (Richards et al. 2015 PMID: 25741868, with internal and published modifications).

Blueprint Genetics
Classification: Likely benign. Last evaluated: 2023-02-01. Review status: criteria provided, single submitter. Criteria: ACMG Guidelines, 2015. Collection method: clinical testing. Allele origin: germline.

Labcorp Genetics (formerly Invitae), Labcorp
Classification: Likely benign. Last evaluated: 2022-04-29. Review status: criteria provided, single submitter. Criteria: Invitae Variant Classification Sherloc (09022015). Collection method: clinical testing. Allele origin: germline.

Illumina Laboratory Services, Illumina
Classification: Uncertain significance for Retinitis pigmentosa. Last evaluated: 2018-01-13. Review status: criteria provided, single submitter. Criteria: ICSL Variant Classification Criteria 13 December 2019. Collection method: clinical testing. Allele origin: germline.